The following is an entry in ClinVar:

NM_003476.5(CSRP3):c.228C>T (p.Gly76=)

Gene: CSRP3 (cysteine and glycine rich protein 3; minus strand). Cytogenetic location: 11p15.1.
Variant type: single nucleotide variant.
Coding change: c.228C>T on transcript NM_003476.5 (MANE Select); coding-DNA position 228, C replaced by T.
Protein change: p.Gly76=; no amino-acid change (glycine 76 retained).
Molecular consequence: synonymous variant. On other transcripts: intron variant (1).
Genome position (GRCh38, 1-based): chr11:19,188,189, G>A on the plus strand (C>T on the coding strand, the complement: CSRP3 is on the minus strand). VCF-style: chr11-19188189-G-A. GRCh37 (hg19) VCF-style: chr11-19209736-G-A.
Other names: c.113-1841C>T (NM_001369404.1).
Identifiers: ClinVar variation 861575 (VCV000861575.12), dbSNP rs768767452, ClinGen allele CA5916617.

ClinVar aggregate classification (germline): Likely benign. Review status: criteria provided, multiple submitters, no conflicts (2 of 4 stars). 3 submissions from 3 submitters: Likely benign (3). Last evaluated 2026-02-26.

Conditions:
Cardiovascular phenotype. Identifiers: MedGen CN230736.
Dilated cardiomyopathy 1M (CMD1M). Identifiers: Orphanet 154, MedGen C1843808, MONDO:0011840, OMIM 607482.
Hypertrophic cardiomyopathy 12. Identifiers: MedGen C2677491, MONDO:0012804, OMIM 612124.
CSRP3-related disorder. Also called: CSRP3-related disorders; CSRP3-related condition.

Allele frequency attached by ClinVar (database versions not stated): TOPMed below 0.00001; ExAC 0.00001; gnomAD 0.00001; gnomAD exomes 0.00001.
gnomAD v4.1: 22 of 1,613,874 alleles (0.0014%); highest among the groups gnomAD compares: Non-Finnish European, 0.0016%; no homozygotes.

Submissions (3):

PreventionGenetics, part of Exact Sciences
Classification: Likely benign for CSRP3-related condition. Last evaluated: 2026-02-26. Review status: criteria provided, single submitter. Criteria: ACMG Guidelines, 2015. Collection method: clinical testing. Allele origin: germline.
Comment: This variant is classified as likely benign based on ACMG/AMP sequence variant interpretation guidelines (Richards et al. 2015 PMID: 25741868, with internal and published modifications).

Labcorp Genetics (formerly Invitae), Labcorp
Classification: Likely benign for Hypertrophic cardiomyopathy 12; Dilated cardiomyopathy 1M. Last evaluated: 2025-08-21. Review status: criteria provided, single submitter. Criteria: Invitae Variant Classification Sherloc (09022015). Collection method: clinical testing. Allele origin: germline.

Ambry Genetics
Classification: Likely benign for Cardiovascular phenotype. Last evaluated: 2022-08-08. Review status: criteria provided, single submitter. Criteria: Ambry Variant Classification Scheme 2023. Collection method: clinical testing. Allele origin: germline.